The following is an entry in ClinVar:

ClinVar aggregate classification (germline): Likely pathogenic (0 of 4 stars; one submission).

Conditions:
COL1A1-related disorder. Also called: COL1A1- related disease; COL1A1-related condition.

Submission:

PreventionGenetics, part of Exact Sciences
Classification: Likely pathogenic for COL1A1-related condition. Last evaluated: 2024-09-16. Review status: no assertion criteria provided. Collection method: clinical testing. Allele origin: germline.
Comment: The COL1A1 c.2542G>C variant is predicted to result in the amino acid substitution p.Gly848Arg. This variant has been reported in a study of individuals with osteogenesis imperfecta type II (Subject H5, Bodian et al 2009. PubMed ID: 18996919). This variant has not been reported in a large population database, indicating this variant is rare. This variant is located in the conserved Gly-Xaa-Yaa triple helical domain where substitutions of a glycine are usually pathogenic (Residues 179-1192; Legacy nomenclature in Marini et al. 2007. PubMed ID: 17078022 indicates amino acids 1-1012; Symoens. 2014. PubMed ID: 25146735). This variant is interpreted as likely pathogenic.

NM_000088.4(COL1A1):c.2542G>C (p.Gly848Arg)

Gene: COL1A1 (collagen type I alpha 1 chain; minus strand). Cytogenetic location: 17q21.33.
Variant type: single nucleotide variant.
Coding change: c.2542G>C on transcript NM_000088.4 (MANE Select); coding-DNA position 2542, G replaced by C.
Protein change: p.Gly848Arg; replaces glycine 848 with arginine.
Molecular consequence: missense variant.
Genome position (GRCh38, 1-based): chr17:50,190,018, C>G on the plus strand (G>C on the coding strand, the complement: COL1A1 is on the minus strand). VCF-style: chr17-50190018-C-G. GRCh37 (hg19) VCF-style: chr17-48267379-C-G.
Other names: short protein forms G848R.
Identifiers: ClinVar variation 3345470 (VCV003345470.1).